The following is an entry in ClinVar:

NM_000719.7(CACNA1C):c.6071C>T (p.Ala2024Val)

Genes: CACNA1C (calcium voltage-gated channel subunit alpha1 C; plus strand), CACNA1C-AS1 (CACNA1C antisense RNA 1; minus strand). Cytogenetic location: 12p13.33.
Variant type: single nucleotide variant.
Coding change: c.6071C>T on transcript NM_000719.7 (MANE Select); coding-DNA position 6071, C replaced by T.
Protein change: p.Ala2024Val; replaces alanine 2024 with valine.
Molecular consequence: missense variant.
Genome position (GRCh38, 1-based): chr12:2,688,733, C>T. VCF-style: chr12-2688733-C-T. GRCh37 (hg19) VCF-style: chr12-2797899-C-T.
Other names: c.6215C>T, p.Ala2072Val (NM_001129827.2); c.6194C>T, p.Ala2065Val (NM_001129829.2); c.6176C>T, p.Ala2059Val (NM_001129830.3, NM_001167624.3); c.6155C>T, p.Ala2052Val (NM_001129831.2); c.6131C>T, p.Ala2044Val (NM_001129832.2); c.6128C>T, p.Ala2043Val (NM_001129833.2, NM_001129834.2, NM_001129835.2); c.6122C>T, p.Ala2041Val (NM_001129836.2); c.6095C>T, p.Ala2032Val (NM_001129837.2, NM_001129838.2); and 6 more; short protein forms A2013V, A2021V, A2024V, A2030V, A2032V, A2041V, A2043V, A2044V.
Identifiers: ClinVar variation 4801136 (VCV004801136.1).

ClinVar aggregate classification (germline): Uncertain significance (1 of 4 stars; one submission).

Conditions:
Long QT syndrome (LQTS). Identifiers: MedGen C0023976, MeSH D008133, MONDO:0002442. Disease mechanism: loss of function. Inheritance: Various modes of inheritance.

Submission:

Labcorp Genetics (formerly Invitae), Labcorp
Classification: Uncertain significance for Long QT syndrome. Last evaluated: 2025-09-26. Review status: criteria provided, single submitter. Criteria: Invitae Variant Classification Sherloc (09022015). Collection method: clinical testing. Allele origin: germline.
Comment: This sequence change replaces alanine, which is neutral and non-polar, with valine, which is neutral and non-polar, at codon 2024 of the CACNA1C protein (p.Ala2024Val). This variant is not present in population databases (gnomAD no frequency). This variant has not been reported in the literature in individuals affected with CACNA1C-related conditions. Invitae Evidence Modeling of protein sequence and biophysical properties (such as structural, functional, and spatial information, amino acid conservation, physicochemical variation, residue mobility, and thermodynamic stability) indicates that this missense variant is not expected to disrupt CACNA1C protein function with a negative predictive value of 95%. In summary, the available evidence is currently insufficient to determine the role of this variant in disease. Therefore, it has been classified as a Variant of Uncertain Significance.